The following is an entry in ClinVar:

ClinVar aggregate classification (germline): Benign. Review status: criteria provided, single submitter (1 of 4 stars). 2 submissions from 1 submitter: Benign (2). Last evaluated 2018-01-13.

Conditions:
Tumoral calcinosis, hyperphosphatemic, familial, 2. Identifiers: MedGen C4693863, MONDO:0060714, OMIM 617993.
Autosomal dominant hypophosphatemic rickets (ADHR). Also called: HYPOPHOSPHATEMIA, AUTOSOMAL DOMINANT; VITAMIN D-RESISTANT RICKETS, AUTOSOMAL DOMINANT. Identifiers: Orphanet 89937, MedGen C0342642, MONDO:0008660, OMIM 193100.

Allele frequency attached by ClinVar (database versions not stated): gnomAD exomes 0.00072; gnomAD 0.00363 and 0.00387; TOPMed 0.00439; 1000 Genomes Project 0.00579; 1000 Genomes Project 30x 0.00593.
gnomAD v4.1: 601 of 227,886 alleles (0.26%); highest among the groups gnomAD compares: African/African-American, 1.2%; 7 homozygotes.

Submissions (2):

Illumina Laboratory Services, Illumina
Classification: Benign for Tumoral calcinosis, hyperphosphatemic, familial, 2. Last evaluated: 2018-01-13. Review status: criteria provided, single submitter. Criteria: ICSL Variant Classification Criteria 13 December 2019. Collection method: clinical testing. Allele origin: germline.
Comment: This variant was observed in the ICSL laboratory as part of a predisposition screen in an ostensibly healthy population. It had not been previously curated by ICSL or reported in the Human Gene Mutation Database (HGMD: prior to June 1st, 2018), and was therefore a candidate for classification through an automated scoring system. Utilizing variant allele frequency, disease prevalence and penetrance estimates, and inheritance mode, an automated score was calculated to assess if this variant is too frequent to cause the disease. Based on the score and internal cut-off values, a variant classified as benign is not then subjected to further curation. The score for this variant resulted in a classification of benign for this disease.

Illumina Laboratory Services, Illumina
Classification: Benign for Autosomal dominant hypophosphatemic rickets. Last evaluated: 2018-01-13. Review status: criteria provided, single submitter. Criteria: ICSL Variant Classification Criteria 13 December 2019. Collection method: clinical testing. Allele origin: germline.
Comment: the same text as in the submission from Illumina Laboratory Services, Illumina above.

NM_020638.3(FGF23):c.*1316C>A

Gene: FGF23 (fibroblast growth factor 23; minus strand). Cytogenetic location: 12p13.32.
Variant type: single nucleotide variant.
Coding change: c.*1316C>A on transcript NM_020638.3 (MANE Select); 1316 bases downstream of the stop codon, C replaced by A.
Molecular consequence: 3 prime UTR variant.
Genome position (GRCh38, 1-based): chr12:4,369,027, G>T on the plus strand (C>A on the coding strand, the complement: FGF23 is on the minus strand). VCF-style: chr12-4369027-G-T. GRCh37 (hg19) VCF-style: chr12-4478193-G-T.
Identifiers: ClinVar variation 882046 (VCV000882046.4), dbSNP rs138576496, ClinGen allele CA231756479.